The following is an entry in ClinVar:

NM_004612.4(TGFBR1):c.1125A>C (p.Thr375=)

Gene: TGFBR1 (transforming growth factor beta receptor 1; plus strand). Cytogenetic location: 9q22.33.
Variant type: single nucleotide variant.
Coding change: c.1125A>C on transcript NM_004612.4 (MANE Select); coding-DNA position 1125, A replaced by C.
Protein change: p.Thr375=; no amino-acid change (threonine 375 retained).
Molecular consequence: synonymous variant.
Genome position (GRCh38, 1-based): chr9:99,144,883, A>C. VCF-style: chr9-99144883-A-C. GRCh37 (hg19) VCF-style: chr9-101907165-A-C.
Other names: p.T375T:ACA>ACC; p.Thr375=; c.894A>C, p.Thr298= (NM_001130916.3); c.1137A>C, p.Thr379= (NM_001306210.2).
Identifiers: ClinVar variation 36857 (VCV000036857.80), dbSNP rs7861780, ClinGen allele CA008705.
Genomic context (GRCh38, chr9:99,144,883, plus strand): 5'-AGTAAGACATGATTCAGCCACAGATACCATTGATATTGCTCCAAACCACAGAGTGGGAAC[A>C]AAAAGGTATACTTTTGAACAACTATATTTAATATCTTCTGAAATCACCTTTTTTCCCTTC-3'
Protein context (NP_004603.1, residues 365-385): IDIAPNHRVG[Thr375=]KRYMAPEVLD

ClinVar aggregate classification (germline): Benign/Likely benign. Review status: criteria provided, multiple submitters, no conflicts (2 of 4 stars). 20 submissions from 20 submitters: Benign (11); Likely benign (6). 3 of the submissions do not count toward it. Last evaluated 2026-09-01.

Conditions:
Ehlers-Danlos syndrome (EDS). Identifiers: Orphanet 98249, MedGen C0013720, MONDO:0020066.
Loeys-Dietz syndrome (LDS). Identifiers: Orphanet 60030, MedGen C2697932, MONDO:0018954.
Familial thoracic aortic aneurysm and aortic dissection (TAAD). Also called: Thoracic aortic aneurysms and dissections. Identifiers: Orphanet 91387, MedGen C4707243, MONDO:0019625.
Multiple self-healing squamous epithelioma (MSSE). Also called: MULTIPLE SELF-HEALING SQUAMOUS EPITHELIOMA, SUSCEPTIBILITY TO. Identifiers: Orphanet 65748, MedGen C0546476, MONDO:0007566, OMIM 132800.

Allele frequency attached by ClinVar (database versions not stated): ExAC 0.00413; 1000 Genomes Project 30x 0.00219; gnomAD 0.00290 and 0.00288; gnomAD exomes 0.00398; 1000 Genomes Project 0.00220; ESP Exome Variant Server 0.00300; TOPMed 0.00320.
gnomAD v4.1: 6,944 of 1,613,796 alleles (0.43%); highest among the groups gnomAD compares: Middle Eastern, 0.64%; 24 homozygotes.

Submissions (20):

CeGaT Center for Human Genetics Tuebingen
Classification: Benign. Last evaluated: 2026-09-01. Review status: criteria provided, single submitter. Criteria: CeGaT Center For Human Genetics Tuebingen Variant Classification Criteria Version 2. Collection method: clinical testing. Allele origin: germline. Affected: yes. Observed: 92 variant alleles.
Comment: TGFBR1: BP4, BP7, BS1, BS2

Labcorp Genetics (formerly Invitae), Labcorp
Classification: Benign for Familial thoracic aortic aneurysm and aortic dissection. Last evaluated: 2026-02-03. Review status: criteria provided, single submitter. Criteria: Invitae Variant Classification Sherloc (09022015). Collection method: clinical testing. Allele origin: germline.

Blueprint Genetics
Classification: Likely benign. Last evaluated: 2024-11-26. Review status: criteria provided, single submitter. Criteria: ACMG Guidelines, 2015. Collection method: clinical testing. Allele origin: germline.

Mayo Clinic Laboratories, Mayo Clinic
Classification: Benign. Last evaluated: 2024-05-28. Review status: criteria provided, single submitter. Criteria: ACMG Guidelines, 2015. Collection method: clinical testing. Allele origin: germline. Observed: 15 variant alleles.
Comment: BS1, BS2, BP4, BP7

All of Us Research Program, National Institutes of Health
Classification: Likely benign for Loeys-Dietz syndrome. Last evaluated: 2024-02-05. Review status: criteria provided, single submitter. Criteria: ACMG Guidelines, 2015. Collection method: clinical testing. Allele origin: germline. Inheritance: Autosomal dominant inheritance. Observed: 972 variant alleles, 968 heterozygotes, 4 homozygotes.
Comment: This study involves interpretation of variants in research participants for the purpose of population health screening. Participant phenotype was not available at the time of variant classification. Additional details can be found in publication PMID: 35346344, PMCID: PMC8962531

KCCC/NGS Laboratory, Kuwait Cancer Control Center
Classification: Benign for Multiple self-healing squamous epithelioma. Last evaluated: 2023-07-07. Review status: criteria provided, single submitter. Criteria: ACMG Guidelines, 2015. Collection method: clinical testing. Allele origin: germline. Affected: yes.

ARUP Laboratories, Molecular Genetics and Genomics, ARUP Laboratories
Classification: Benign. Last evaluated: 2023-04-04. Review status: criteria provided, single submitter. Criteria: ARUP Molecular Germline Variant Investigation Process 2024. Collection method: clinical testing. Allele origin: germline.

Genome Diagnostics Laboratory, The Hospital for Sick Children
Classification: Benign for Ehlers-Danlos syndrome. Last evaluated: 2022-04-22. Review status: criteria provided, single submitter. Criteria: ACMG Guidelines, 2015. Collection method: clinical testing. Allele origin: germline.

CHEO Genetics Diagnostic Laboratory, Children's Hospital of Eastern Ontario
Classification: Benign for Familial thoracic aortic aneurysm and aortic dissection. Last evaluated: 2018-10-26. Review status: criteria provided, single submitter. Criteria: ACMG Guidelines, 2015. Collection method: clinical testing. Allele origin: germline.

Color Diagnostics, LLC DBA Color Health
Classification: Likely benign for Familial thoracic aortic aneurysm and aortic dissection. Last evaluated: 2018-03-08. Review status: criteria provided, single submitter. Criteria: ACMG Guidelines, 2015. Collection method: clinical testing. Allele origin: germline.

Center for Human Genetics, Inc
Classification: Likely benign for Familial thoracic aortic aneurysm and aortic dissection. Last evaluated: 2016-11-01. Review status: criteria provided, single submitter. Criteria: ACMG Guidelines, 2015. Collection method: clinical testing. Allele origin: germline. Affected: yes.

Ambry Genetics
Classification: Likely benign for Familial thoracic aortic aneurysm and aortic dissection. Last evaluated: 2015-02-11. Review status: criteria provided, single submitter. Criteria: Ambry Variant Classification Scheme 2023. Collection method: clinical testing. Allele origin: germline.

Eurofins Ntd Llc (ga)
Classification: Benign. Last evaluated: 2014-09-05. Review status: criteria provided, single submitter. Criteria: EGL Classification Definitions 2015. Collection method: clinical testing. Allele origin: germline. Observed: 1 variant allele, 1 heterozygote.

GeneDx
Classification: Benign. Last evaluated: 2013-02-28. Review status: criteria provided, single submitter. Criteria: GeneDx Variant Classification (06012015). Collection method: clinical testing. Allele origin: germline. Affected: yes.
Comment: This variant is considered likely benign or benign based on one or more of the following criteria: it is a conservative change, it occurs at a poorly conserved position in the protein, it is predicted to be benign by multiple in silico algorithms, and/or has population frequency not consistent with disease.

Laboratory for Molecular Medicine, Mass General Brigham Personalized Medicine
Classification: Benign. Last evaluated: 2012-03-13. Review status: criteria provided, single submitter. Criteria: LMM Criteria. Collection method: clinical testing. Allele origin: germline. Observed: 5 variant alleles.
Comment: Thr375Thr in exon 6 of TGFBR1: This variant is not expected to have clinical sig nificance because it does not alter an amino acid residue, is not located within the splice consensus sequence, and it has been identified in 0.4% (29/7020) of European American chromosomes from a broad population by the NHLBI Exome Sequenc ing Project (dbSNP rs7861780).

Breakthrough Genomics
Classification: Likely benign. Review status: criteria provided, single submitter. Criteria: ACMG Guidelines, 2015. Collection method: not provided. Allele origin: germline. Inheritance: Autosomal dominant inheritance. Affected: yes.

PreventionGenetics, part of Exact Sciences
Classification: Benign. Review status: criteria provided, single submitter. Criteria: ACMG Guidelines, 2015. Collection method: clinical testing. Allele origin: germline.

Women's Health and Genetics/Laboratory Corporation of America, LabCorp
Classification: Benign for Loeys-Dietz Syndrome. Last evaluated: 2011-11-01. Review status: no assertion criteria provided. Collection method: clinical testing. Allele origin: germline. Not counted in ClinVar's aggregate classification.

Clinical Genetics DNA and cytogenetics Diagnostics Lab, Erasmus MC, Erasmus Medical Center
Classification: Likely benign. Review status: no assertion criteria provided. Collection method: clinical testing. Allele origin: germline. Affected: yes. Study: VKGL Data-share Consensus. Not counted in ClinVar's aggregate classification.

Laboratory of Diagnostic Genome Analysis, Leiden University Medical Center (LUMC)
Classification: Likely benign. Review status: no assertion criteria provided. Collection method: clinical testing. Allele origin: germline. Affected: yes. Study: VKGL Data-share Consensus. Not counted in ClinVar's aggregate classification.

Literature cited by the submitters: PubMed 18781618 (cited by Laboratory for Molecular Medicine, Mass General Brigham Personalized Medicine).